The following is an entry in ClinVar:

NM_006059.4(LAMC3):c.3527C>G (p.Thr1176Ser)

Gene: LAMC3 (laminin subunit gamma 3; plus strand). Cytogenetic location: 9q34.12.
Variant type: single nucleotide variant.
Coding change: c.3527C>G on transcript NM_006059.4 (MANE Select); coding-DNA position 3527, C replaced by G.
Protein change: p.Thr1176Ser; replaces threonine 1176 with serine.
Molecular consequence: missense variant.
Genome position (GRCh38, 1-based): chr9:131,075,863, C>G. VCF-style: chr9-131075863-C-G. GRCh37 (hg19) VCF-style: chr9-133951250-C-G.
Other names: c.3527C>G (NM_006059.3); short protein forms T1176S.
Identifiers: ClinVar variation 1436488 (VCV001436488.6), dbSNP rs760826711, ClinGen allele CA5287844.

ClinVar aggregate classification (germline): Uncertain significance. Review status: criteria provided, multiple submitters, no conflicts (2 of 4 stars). 2 submissions from 2 submitters: Uncertain significance (2). Last evaluated 2025-08-30.

Conditions:
Inborn genetic diseases. Identifiers: MedGen C0950123, MeSH D030342.

Allele frequency attached by ClinVar (database versions not stated): gnomAD 0.00001; gnomAD exomes 0.00001; TOPMed 0.00001; ExAC 0.00002.
gnomAD v4.1: 8 of 1,612,536 alleles (0.0005%); highest among the groups gnomAD compares: African/African-American, 0.0053%; no homozygotes.

Submissions (2):

Ambry Genetics
Classification: Uncertain significance for Inborn genetic diseases. Last evaluated: 2025-08-30. Review status: criteria provided, single submitter. Criteria: Ambry Variant Classification Scheme 2023. Collection method: clinical testing. Allele origin: germline.

Labcorp Genetics (formerly Invitae), Labcorp
Classification: Uncertain significance. Last evaluated: 2022-10-13. Review status: criteria provided, single submitter. Criteria: Invitae Variant Classification Sherloc (09022015). Collection method: clinical testing. Allele origin: germline.
Comment: This sequence change replaces threonine, which is neutral and polar, with serine, which is neutral and polar, at codon 1176 of the LAMC3 protein (p.Thr1176Ser). This variant is present in population databases (rs760826711, gnomAD 0.006%). This variant has not been reported in the literature in individuals affected with LAMC3-related conditions. ClinVar contains an entry for this variant (Variation ID: 1436488). Algorithms developed to predict the effect of missense changes on protein structure and function (SIFT, PolyPhen-2, Align-GVGD) all suggest that this variant is likely to be tolerated. In summary, the available evidence is currently insufficient to determine the role of this variant in disease. Therefore, it has been classified as a Variant of Uncertain Significance.